The following is an entry in ClinVar:

NM_006885.4(ZFHX3):c.1776C>T (p.Asp592=)

Gene: ZFHX3 (zinc finger homeobox 3; minus strand). Cytogenetic location: 16q22.3.
Variant type: single nucleotide variant.
Coding change: c.1776C>T on transcript NM_006885.4 (MANE Select); coding-DNA position 1776, C replaced by T.
Protein change: p.Asp592=; no amino-acid change (aspartic acid 592 retained).
Molecular consequence: synonymous variant. On other transcripts: intron variant (1).
Genome position (GRCh38, 1-based): chr16:72,958,370, G>A on the plus strand (C>T on the coding strand, the complement: ZFHX3 is on the minus strand). VCF-style: chr16-72958370-G-A. GRCh37 (hg19) VCF-style: chr16-72992269-G-A.
Other names: c.1776C>T, p.Asp592= (NM_001386735.1); c.-23-7405C>T (NM_001164766.2).
Identifiers: ClinVar variation 3056424 (VCV003056424.2), dbSNP rs11075951, ClinGen allele CA8164632.

ClinVar aggregate classification (germline): Benign (0 of 4 stars; one submission).

Conditions:
ZFHX3-related disorder. Also called: ZFHX3-related condition.

Allele frequency attached by ClinVar (database versions not stated): 1000 Genomes Project 0.02556; 1000 Genomes Project 30x 0.02686; TOPMed 0.05699; ESP Exome Variant Server 0.07118.
gnomAD v4.1: 126,811 of 1,614,062 alleles (7.9%); highest among the groups gnomAD compares: Non-Finnish European, 8.9%; 5,860 homozygotes.

Submission:

PreventionGenetics, part of Exact Sciences
Classification: Benign for ZFHX3-related condition. Last evaluated: 2019-11-04. Review status: no assertion criteria provided. Collection method: clinical testing. Allele origin: germline.
Comment: This variant is classified as benign based on ACMG/AMP sequence variant interpretation guidelines (Richards et al. 2015 PMID: 25741868, with internal and published modifications).